The following is an entry in ClinVar:

NM_000059.4(BRCA2):c.4681C>A (p.His1561Asn)

Gene: BRCA2 (BRCA2 DNA repair associated; plus strand). Cytogenetic location: 13q13.1.
Variant type: single nucleotide variant.
Coding change: c.4681C>A on transcript NM_000059.4 (MANE Select); coding-DNA position 4681, C replaced by A.
Protein change: p.His1561Asn; replaces histidine 1561 with asparagine.
Molecular consequence: missense variant.
Genome position (GRCh38, 1-based): chr13:32,339,036, C>A. VCF-style: chr13-32339036-C-A. GRCh37 (hg19) VCF-style: chr13-32913173-C-A.
Other names: NP_000050.3:p.His1561Asn; 4909C>A; short protein forms H1561N.
Identifiers: ClinVar variation 51695 (VCV000051695.82), dbSNP rs2219594, ClinGen allele CA020637.

ClinVar aggregate classification (germline): Conflicting classifications of pathogenicity. Review status: criteria provided, conflicting classifications (1 of 4 stars). 28 submissions from 28 submitters: Uncertain significance (1); Benign (11); Likely benign (7). 9 of the submissions do not count toward it. Last evaluated 2026-03-30.

Conditions:
Breast and/or ovarian cancer. Identifiers: MedGen CN221562.
Breast neoplasm. Also called: Neoplasm of the breast; Neoplasm of breast; Breast tumor; Breast Neoplasms. Identifiers: MedGen C1458155, MeSH D001943, MONDO:0021100, HP:0100013. Disease mechanism: gain of function.
Hereditary cancer-predisposing syndrome. Also called: Tumor predisposition; Neoplastic Syndromes, Hereditary; Hereditary neoplastic syndrome; Hereditary Cancer Syndrome. Identifiers: Orphanet 140162, MedGen C0027672, MeSH D009386, MONDO:0015356.
Hereditary breast ovarian cancer syndrome. Also called: Hereditary breast and ovarian cancer; BRCA1- and BRCA2-Associated Hereditary Breast and Ovarian Cancer; Hereditary breast and/or ovarian cancer syndrome; Hereditary breast and ovarian cancer syndrome; Breast and ovarian cancer; Hereditary breast and ovarian cancer syndrome (HBOC). Identifiers: Orphanet 145, MedGen C0677776, MeSH D061325, MONDO:0003582. Disease mechanism: loss of function.
Breast-ovarian cancer, familial, susceptibility to, 2 (BROVCA2). Also called: BRCA2 Hereditary Breast and Ovarian Cancer. Identifiers: Orphanet 145, MedGen C2675520, MONDO:0012933, OMIM 612555. Disease mechanism: loss of function.
Familial cancer of breast. Also called: BREAST CANCER, FAMILIAL; hereditary breast carcinoma; Hereditary breast cancer. Identifiers: Orphanet 227535, MedGen C0346153, MONDO:0016419, OMIM 114480. Disease mechanism: loss of function.

Allele frequency attached by ClinVar (database versions not stated): gnomAD exomes 0.00025 and 0.00064; ExAC 0.00073; 1000 Genomes Project 0.00160; 1000 Genomes Project 30x 0.00172; gnomAD 0.00265 and 0.00292; TOPMed 0.00296; ESP Exome Variant Server 0.00331.
gnomAD v4.1: 794 of 1,613,942 alleles (0.049%); highest among the groups gnomAD compares: African/African-American, 0.95%; 3 homozygotes.

Submissions (28):

Dasa
Classification: Benign for Breast-ovarian cancer, familial, susceptibility to, 2. Last evaluated: 2026-03-30. Review status: criteria provided, single submitter. Criteria: DASA Assertion Criteria. Collection method: clinical testing. Allele origin: germline.
Comment: NM_000059.4(BRCA2):c.4681C>A (p.His1561Asn) is interpreted as benign based on a combination of available evidence, which may include population frequency, observations in unaffected individuals, intact protein function, lack of segregation with disease, in silico models, amino acid conservation, lack of disease association in case-control studies, and/or inconsistency with the known disease mechanism or impacted region. Based on the available data, this variant is classified as benign.

Labcorp Genetics (formerly Invitae), Labcorp
Classification: Benign for Hereditary breast ovarian cancer syndrome. Last evaluated: 2026-02-03. Review status: criteria provided, single submitter. Criteria: Invitae Variant Classification Sherloc (09022015). Collection method: clinical testing. Allele origin: germline.

ARUP Laboratories, Molecular Genetics and Genomics, ARUP Laboratories
Classification: Benign. Last evaluated: 2025-04-01. Review status: criteria provided, single submitter. Criteria: ARUP Molecular Germline Variant Investigation Process 2024. Collection method: clinical testing. Allele origin: germline.

Blueprint Genetics
Classification: Likely benign. Last evaluated: 2024-09-12. Review status: criteria provided, single submitter. Criteria: ACMG Guidelines, 2015. Collection method: clinical testing. Allele origin: germline.

University of Washington Department of Laboratory Medicine, University of Washington
Classification: Likely benign for Hereditary cancer-predisposing syndrome. Last evaluated: 2023-03-23. Review status: criteria provided, single submitter. Criteria: Dines et al. (Genet Med. 2020). Collection method: curation. Allele origin: germline.
Comment: Missense variant in a coldspot region where missense variants are very unlikely to be pathogenic (PMID:31911673).

BRCA2 exon 11 coldspot. Reclassification based on statistical prior probability.

CHEO Genetics Diagnostic Laboratory, Children's Hospital of Eastern Ontario
Classification: Likely benign for Breast and/or ovarian cancer. Last evaluated: 2022-05-25. Review status: criteria provided, single submitter. Criteria: ACMG Guidelines, 2015. Collection method: clinical testing. Allele origin: germline.

National Health Laboratory Service, Universitas Academic Hospital and University of the Free State
Classification: Benign for Hereditary breast ovarian cancer syndrome. Last evaluated: 2022-04-19. Review status: criteria provided, single submitter. Criteria: ACMG Guidelines, 2015. Collection method: clinical testing. Allele origin: germline. Affected: yes. Observed: 20 variant alleles.

Genetic Services Laboratory, University of Chicago
Classification: Likely benign. Last evaluated: 2021-12-08. Review status: criteria provided, single submitter. Criteria: ACMG Guidelines, 2015. Collection method: clinical testing. Allele origin: germline. Affected: no.

Genetics Program, Instituto Nacional de Cancer
Classification: Likely benign for Hereditary breast ovarian cancer syndrome. Last evaluated: 2021-11-01. Review status: criteria provided, single submitter. Criteria: ACMG Guidelines, 2015. Collection method: research. Allele origin: germline. Affected: yes.

Sema4
Classification: Benign for Hereditary cancer-predisposing syndrome. Last evaluated: 2020-07-08. Review status: criteria provided, single submitter. Criteria: Sema4 Curation Guidelines. Collection method: curation. Allele origin: germline.

PreventionGenetics, part of Exact Sciences
Classification: Benign. Last evaluated: 2017-03-20. Review status: criteria provided, single submitter. Criteria: ACMG Guidelines, 2015. Collection method: clinical testing. Allele origin: germline.

Baylor Genetics
Classification: Benign for Familial cancer of breast. Last evaluated: 2017-02-23. Review status: criteria provided, single submitter. Criteria: ACMG Guidelines, 2015. Collection method: clinical testing. Allele origin: germline. Inheritance: Autosomal dominant inheritance. Affected: no.

Molecular Genetics Laboratory, University of Michigan
Classification: Benign for Breast-ovarian cancer, familial, susceptibility to, 2. Last evaluated: 2016-04-21. Review status: criteria provided, single submitter. Criteria: ACMG Guidelines, 2015. Collection method: clinical testing. Allele origin: germline. Affected: yes.

Clinical Genetics DNA and cytogenetics Diagnostics Lab, Erasmus MC, Erasmus Medical Center
Classification: Likely benign for Breast-ovarian cancer, familial, susceptibility to, 2. Last evaluated: 2015-09-21. Review status: criteria provided, single submitter. Criteria: ACGS Guidelines, 2013. Collection method: clinical testing. Allele origin: germline. Affected: yes. Study: VKGL Data-share Consensus.

Color Diagnostics, LLC DBA Color Health
Classification: Likely benign for Hereditary cancer-predisposing syndrome. Last evaluated: 2015-03-12. Review status: criteria provided, single submitter. Criteria: ACMG Guidelines, 2015. Collection method: clinical testing. Allele origin: germline.

Ambry Genetics
Classification: Benign for Hereditary cancer-predisposing syndrome. Last evaluated: 2014-11-19. Review status: criteria provided, single submitter. Criteria: Ambry Variant Classification Scheme 2023. Collection method: clinical testing. Allele origin: germline.

Eurofins Ntd Llc (ga)
Classification: Benign. Last evaluated: 2014-08-04. Review status: criteria provided, single submitter. Criteria: EGL Classification Definitions 2015. Collection method: clinical testing. Allele origin: germline. Observed: 1 variant allele, 1 heterozygote.

Women's Health and Genetics/Laboratory Corporation of America, LabCorp
Classification: Benign for Hereditary breast ovarian cancer syndrome. Last evaluated: 2014-03-28. Review status: criteria provided, single submitter. Criteria: LabCorp Variant Classification Summary - May 2015. Collection method: clinical testing. Allele origin: germline.

Clinical and Functional Genomics Group, A.C.Camargo Cancer Center
Classification: Uncertain significance for Breast Cancer. Review status: criteria provided, single submitter. Criteria: Silva et al. (BMC Med Genet. 2014). Collection method: research. Allele origin: germline. Affected: yes.

Counsyl
Classification: Benign for Breast-ovarian cancer, familial 2. Last evaluated: 2014-03-18. Review status: no assertion criteria provided. Collection method: literature only. Allele origin: unknown. Inheritance: Autosomal dominant inheritance. Not counted in ClinVar's aggregate classification.

ITMI
No classification provided. Condition: AllHighlyPenetrant. Last evaluated: 2013-09-19. Review status: no classification provided. Collection method: reference population. Allele origin: germline. Not counted in ClinVar's aggregate classification.
Comment: Please see associated publication for description of ethnicities

Sharing Clinical Reports Project (SCRP)
Classification: Benign for Breast-ovarian cancer, familial 2. Last evaluated: 2012-05-01. Review status: no assertion criteria provided. Collection method: clinical testing. Allele origin: germline. Not counted in ClinVar's aggregate classification.

Breast Cancer Information Core (BIC) (BRCA2)
Classification: Uncertain significance for Breast-ovarian cancer, familial 2. Last evaluated: 2002-05-29. Review status: no assertion criteria provided. Collection method: clinical testing. Allele origin: germline. Affected: yes. Observed: 25 variant alleles. Not counted in ClinVar's aggregate classification.

Clinical Genetics Laboratory, Department of Pathology, Netherlands Cancer Institute
Classification: Benign. Review status: no assertion criteria provided. Collection method: clinical testing. Allele origin: germline. Affected: yes. Study: VKGL Data-share Consensus. Not counted in ClinVar's aggregate classification.

Department of Pathology and Laboratory Medicine, Sinai Health System
Classification: Benign. Review status: no assertion criteria provided. Collection method: clinical testing. Allele origin: unknown. Affected: yes. Observed: 2 variant alleles. Study: The Canadian Open Genetics Repository (COGR). Not counted in ClinVar's aggregate classification.

Genome Diagnostics Laboratory, University Medical Center Utrecht
Classification: Likely benign. Review status: no assertion criteria provided. Collection method: clinical testing. Allele origin: germline. Affected: yes. Study: VKGL Data-share Consensus. Not counted in ClinVar's aggregate classification.

Joint Genome Diagnostic Labs from Nijmegen and Maastricht, Radboudumc and MUMC+
Classification: Likely benign. Review status: no assertion criteria provided. Collection method: clinical testing. Allele origin: germline. Affected: yes. Study: VKGL Data-share Consensus. Not counted in ClinVar's aggregate classification.

Laboratory of Diagnostic Genome Analysis, Leiden University Medical Center (LUMC)
Classification: Likely benign. Review status: no assertion criteria provided. Collection method: clinical testing. Allele origin: germline. Affected: yes. Study: VKGL Data-share Consensus. Not counted in ClinVar's aggregate classification.

Literature cited by the submitters: DOI 10.3389/fgene.2022.834265 (cited by National Health Laboratory Service, Universitas Academic Hospital and University of the Free State); PubMed 36329109 (cited by Genetics Program, Instituto Nacional de Cancer); PubMed 20104584 (cited by Women's Health and Genetics/Laboratory Corporation of America, LabCorp and Counsyl); PubMed 21520273 (cited by Women's Health and Genetics/Laboratory Corporation of America, LabCorp); PubMed 18284688 (cited by Women's Health and Genetics/Laboratory Corporation of America, LabCorp); PubMed 18703817 (cited by Women's Health and Genetics/Laboratory Corporation of America, LabCorp); PubMed 22034289 (cited by Women's Health and Genetics/Laboratory Corporation of America, LabCorp); PubMed 22811390 (cited by Women's Health and Genetics/Laboratory Corporation of America, LabCorp and Counsyl); PubMed 23555315 (cited by Women's Health and Genetics/Laboratory Corporation of America, LabCorp); PubMed 10882858 (cited by Women's Health and Genetics/Laboratory Corporation of America, LabCorp); PubMed 22476429 (cited by Women's Health and Genetics/Laboratory Corporation of America, LabCorp); PubMed 18724707 (cited by Women's Health and Genetics/Laboratory Corporation of America, LabCorp and Counsyl); PubMed 22655046 (cited by Women's Health and Genetics/Laboratory Corporation of America, LabCorp); PubMed 23469205 (cited by Clinical and Functional Genomics Group, A.C.Camargo Cancer Center); PubMed 24728327 (cited by ITMI).